The following is an entry in ClinVar:

ClinVar aggregate classification (germline): Likely pathogenic (1 of 4 stars; one submission).

Conditions:
Methylmalonic aciduria due to methylmalonyl-CoA mutase deficiency (MAMM). Also called: Methylmalonic aciduria, mut type. Identifiers: Orphanet 27, MedGen C1855114, MONDO:0009612, OMIM 251000.

Submission:

Juno Genomics, Hangzhou Juno Genomics, Inc
Classification: Likely pathogenic for Methylmalonic aciduria due to methylmalonyl-CoA mutase deficiency. Review status: criteria provided, single submitter. Criteria: ACMG Guidelines, 2015. Collection method: clinical testing. Allele origin: germline.
Comment: Absent from controls (or at extremely low frequency if recessive) in Genome Aggregation Database.;Null variant in a gene where loss of function (LOF) is a known mechanism of disease.

NM_000255.4(MMUT):c.1675del (p.Arg559fs)

Gene: MMUT (methylmalonyl-CoA mutase; minus strand). Cytogenetic location: 6p12.3.
Variant type: Deletion.
Coding change: c.1675del on transcript NM_000255.4 (MANE Select); coding-DNA position 1675, one base deleted (A; older notation c.1675delA).
Protein change: p.Arg559fs; shifts the reading frame from arginine 559.
Molecular consequence: frameshift variant.
Genome position (GRCh38, 1-based): chr6:49,444,640, T deleted on the plus strand (A on the coding strand, the reverse complement: MMUT is on the minus strand); the first of 2 consecutive T bases (chr6:49,444,640-49,444,641); deleting either gives the same sequence. VCF-style (leftmost placement, unchanged base first): chr6-49444639-CT-C. GRCh37 (hg19) VCF-style: chr6-49412352-CT-C.
Other names: short protein forms R559fs.
Identifiers: ClinVar variation 5019412 (VCV005019412.2).